The following is an entry in ClinVar:

ClinVar aggregate classification (germline): Conflicting classifications of pathogenicity. Review status: criteria provided, conflicting classifications (1 of 4 stars). 3 submissions from 3 submitters: Uncertain significance (2); Likely benign (1). Last evaluated 2026-02-17.

Conditions:
Oto-palato-digital syndrome, type II (OPD2). Also called: FACIOPALATOOSSEOUS SYNDROME; OPD II SYNDROME; Otopalatodigital Syndrome, Type II; Otopalatodigital Syndrome Type 2 (FLNA-OPD2). Identifiers: Orphanet 669, Orphanet 90652, MedGen C1844696, MONDO:0010571, OMIM 304120.
Heterotopia, periventricular, X-linked dominant (PVNH1). Also called: PERIVENTRICULAR NODULAR HETEROTOPIA 1; X-linked periventricular heterotopia; PERIVENTRICULAR NODULAR HETEROTOPIA 4; HETEROTOPIA, PERIVENTRICULAR, 1. Identifiers: Orphanet 2149, Orphanet 82004, MedGen C1848213, MONDO:0010233, OMIM 300049.
Frontometaphyseal dysplasia (FMD1). Identifiers: Orphanet 1826, MedGen C0265293, MONDO:0015942.
Melnick-Needles syndrome (MNS). Also called: MELNICK-NEEDLES OSTEODYSPLASTY; OSTEODYSPLASTY OF MELNICK AND NEEDLES; Melnick-Needles Syndrome (FLNA-MNS). Identifiers: Orphanet 2484, MedGen C0025237, MONDO:0010650, OMIM 309350.
Familial thoracic aortic aneurysm and aortic dissection (TAAD). Also called: Thoracic aortic aneurysms and dissections. Identifiers: Orphanet 91387, MedGen C4707243, MONDO:0019625.

Allele frequency attached by ClinVar (database versions not stated): TOPMed 0.00001.
gnomAD v4.1: 19 of 1,210,784 alleles (0.0016%); highest among the groups gnomAD compares: Admixed American, 0.011%; no homozygotes.

Submissions (3):

Ambry Genetics
Classification: Uncertain significance for Familial thoracic aortic aneurysm and aortic dissection. Last evaluated: 2026-02-17. Review status: criteria provided, single submitter. Criteria: Ambry Variant Classification Scheme 2023. Collection method: clinical testing. Allele origin: germline.
Comment: The c.6589G>A (p.A2197T) alteration is located in exon 40 (coding exon 39) of the FLNA gene. This alteration results from a G to A substitution at nucleotide position 6589, causing the alanine (A) at amino acid position 2197 to be replaced by a threonine (T). Based on data from gnomAD, the A allele has an overall frequency of 0.001% (2/181685) total alleles studied. The highest observed frequency was 0.004% (1/27373) of Latino alleles. Based on insufficient or conflicting evidence, the clinical significance of this alteration remains unclear.

Labcorp Genetics (formerly Invitae), Labcorp
Classification: Likely benign for Oto-palato-digital syndrome, type II; Heterotopia, periventricular, X-linked dominant; Frontometaphyseal dysplasia; Melnick-Needles syndrome. Last evaluated: 2026-01-25. Review status: criteria provided, single submitter. Criteria: Invitae Variant Classification Sherloc (09022015). Collection method: clinical testing. Allele origin: germline.

Women's Health and Genetics/Laboratory Corporation of America, LabCorp
Classification: Uncertain significance. Last evaluated: 2024-10-31. Review status: criteria provided, single submitter. Criteria: LabCorp Variant Classification Summary - May 2015. Collection method: clinical testing. Allele origin: germline.
Comment: Variant summary: FLNA c.6613G>A (p.Ala2205Thr) results in a non-conservative amino acid change in the encoded protein sequence. Four of five in-silico tools predict a benign effect of the variant on protein function. The variant allele was found at a frequency of 1.1e-05 in 181685 control chromosomes. The available data on variant occurrences in the general population are insufficient to allow any conclusion about variant significance. To our knowledge, no occurrence of c.6613G>A in individuals affected with FLNA-related conditions and no experimental evidence demonstrating its impact on protein function have been reported. ClinVar contains an entry for this variant (Variation ID: 2947920). Based on the evidence outlined above, the variant was classified as uncertain significance.

NM_001110556.2(FLNA):c.6613G>A (p.Ala2205Thr)

Gene: FLNA (filamin A; minus strand). Cytogenetic location: Xq28.
Variant type: single nucleotide variant.
Coding change: c.6613G>A on transcript NM_001110556.2 (MANE Select); coding-DNA position 6613, G replaced by A.
Protein change: p.Ala2205Thr; replaces alanine 2205 with threonine.
Molecular consequence: missense variant.
Genome position (GRCh38, 1-based): chrX:154,352,337, C>T on the plus strand (G>A on the coding strand, the complement: FLNA is on the minus strand). VCF-style: chrX-154352337-C-T. GRCh37 (hg19) VCF-style: chrX-153580705-C-T.
Other names: c.6589G>A (NM_001456.3); c.6589G>A, p.Ala2197Thr (NM_001456.4); short protein forms A2197T, A2205T.
Identifiers: ClinVar variation 2947920 (VCV002947920.5), dbSNP rs781935515, ClinGen allele CA10560056.